The following is an entry in ClinVar:

ClinVar aggregate classification (germline): Uncertain significance. Review status: criteria provided, multiple submitters, no conflicts (2 of 4 stars). 2 submissions from 2 submitters: Uncertain significance (2). Last evaluated 2025-11-10.

Conditions:
RYR1-related disorder. Also called: RYR1-related condition; RYR1-related disorders. Identifiers: MedGen CN239331.

Submissions (2):

Labcorp Genetics (formerly Invitae), Labcorp
Classification: Uncertain significance for RYR1-related disorder. Last evaluated: 2025-11-10. Review status: criteria provided, single submitter. Criteria: Invitae Variant Classification Sherloc (09022015). Collection method: clinical testing. Allele origin: germline.
Comment: This variant, c.12037_12048del, results in the deletion of 4 amino acid(s) of the RYR1 protein (p.Lys4013_Leu4016del), but otherwise preserves the integrity of the reading frame. This variant is not present in population databases (gnomAD no frequency). This variant has been observed in individual(s) with clinical features of autosomal recessive RYR1-related myopathy (internal data). ClinVar contains an entry for this variant (Variation ID: 2435539). Experimental studies and prediction algorithms are not available or were not evaluated, and the functional significance of this variant is currently unknown. In summary, the available evidence is currently insufficient to determine the role of this variant in disease. Therefore, it has been classified as a Variant of Uncertain Significance.

Revvity Omics, Revvity
Classification: Uncertain significance. Last evaluated: 2020-10-28. Review status: criteria provided, single submitter. Criteria: ACMG Guidelines, 2015. Collection method: clinical testing. Allele origin: germline.

NM_000540.3(RYR1):c.12037_12048del (p.Lys4013_Leu4016del)

Gene: RYR1 (ryanodine receptor 1; plus strand). Cytogenetic location: 19q13.2.
Variant type: Deletion.
Coding change: c.12037_12048del on transcript NM_000540.3 (MANE Select); coding-DNA positions 12037 to 12048, 12 bases deleted (AAGGAGCTGCTG).
Protein change: p.Lys4013_Leu4016del.
Molecular consequence: inframe deletion. On other transcripts: inframe indel (1).
Genome position (GRCh38, 1-based): chr19:38,546,469-38,546,480, AAGGAGCTGCTG deleted; deleting any 12 consecutive bases within chr19:38,546,460-38,546,480 gives the same sequence; the c. name uses the placement nearest the transcript's 3' end. VCF-style (leftmost placement, unchanged base first): chr19-38546459-CGAGCTGCTGAAG-C. GRCh37 (hg19) VCF-style: chr19-39037099-CGAGCTGCTGAAG-C.
Other names: c.12037_12048delAAGGAGCTGCTG, p.Lys4013_Leu4016del (NM_000540.2); c.12022_12033del, p.Lys4008_Leu4011del (NM_001042723.2).
Identifiers: ClinVar variation 2435539 (VCV002435539.6), dbSNP rs1972429577, ClinGen allele CA2335075726.